The following is an entry in ClinVar:

ClinVar aggregate classification (germline): Uncertain significance (1 of 4 stars; one submission).

Conditions:
Brugada syndrome 8 (BRGDA8). Identifiers: Orphanet 130, MedGen C2751083, MONDO:0013148, OMIM 613123.

Submission:

Labcorp Genetics (formerly Invitae), Labcorp
Classification: Uncertain significance for Brugada syndrome 8. Last evaluated: 2022-03-08. Review status: criteria provided, single submitter. Criteria: Invitae Variant Classification Sherloc (09022015). Collection method: clinical testing. Allele origin: germline.
Comment: In summary, the available evidence is currently insufficient to determine the role of this variant in disease. Therefore, it has been classified as a Variant of Uncertain Significance. Advanced modeling of protein sequence and biophysical properties (such as structural, functional, and spatial information, amino acid conservation, physicochemical variation, residue mobility, and thermodynamic stability) performed at Invitae indicates that this missense variant is not expected to disrupt HCN4 protein function. This variant has not been reported in the literature in individuals affected with HCN4-related conditions. This variant is not present in population databases (gnomAD no frequency). This sequence change replaces glycine, which is neutral and non-polar, with glutamic acid, which is acidic and polar, at codon 1127 of the HCN4 protein (p.Gly1127Glu).

NM_005477.3(HCN4):c.3380G>A (p.Gly1127Glu)

Gene: HCN4 (hyperpolarization activated cyclic nucleotide gated potassium channel 4; minus strand). Cytogenetic location: 15q24.1.
Variant type: single nucleotide variant.
Coding change: c.3380G>A on transcript NM_005477.3 (MANE Select); coding-DNA position 3380, G replaced by A.
Protein change: p.Gly1127Glu; replaces glycine 1127 with glutamic acid.
Molecular consequence: missense variant.
Genome position (GRCh38, 1-based): chr15:73,322,713, C>T on the plus strand (G>A on the coding strand, the complement: HCN4 is on the minus strand). VCF-style: chr15-73322713-C-T. GRCh37 (hg19) VCF-style: chr15-73615054-C-T.
Other names: short protein forms G1127E.
Identifiers: ClinVar variation 1432486 (VCV001432486.8), dbSNP rs2151213857, ClinGen allele CA393085442.